The following is an entry in ClinVar:

ClinVar aggregate classification (germline): Uncertain significance (1 of 4 stars; one submission).

Allele frequency attached by ClinVar (database versions not stated): gnomAD 0.00001; TOPMed 0.00001.

Submission:

Labcorp Genetics (formerly Invitae), Labcorp
Classification: Uncertain significance. Last evaluated: 2021-08-28. Review status: criteria provided, single submitter. Criteria: Invitae Variant Classification Sherloc (09022015). Collection method: clinical testing. Allele origin: germline.
Comment: This variant is not present in population databases (ExAC no frequency). In summary, the available evidence is currently insufficient to determine the role of this variant in disease. Therefore, it has been classified as a Variant of Uncertain Significance. Algorithms developed to predict the effect of missense changes on protein structure and function are either unavailable or do not agree on the potential impact of this missense change (SIFT: "Tolerated"; PolyPhen-2: "Probably Damaging"; Align-GVGD: "Class C0"). This variant has not been reported in the literature in individuals affected with TUBGCP6-related conditions. This sequence change replaces glutamine with proline at codon 707 of the TUBGCP6 protein (p.Gln707Pro). The glutamine residue is weakly conserved and there is a moderate physicochemical difference between glutamine and proline.

NM_020461.4(TUBGCP6):c.2120A>C (p.Gln707Pro)

Gene: TUBGCP6 (tubulin gamma complex component 6; minus strand). Cytogenetic location: 22q13.33.
Variant type: single nucleotide variant.
Coding change: c.2120A>C on transcript NM_020461.4 (MANE Select); coding-DNA position 2120, A replaced by C.
Protein change: p.Gln707Pro; replaces glutamine 707 with proline.
Molecular consequence: missense variant.
Genome position (GRCh38, 1-based): chr22:50,224,366, T>G on the plus strand (A>C on the coding strand, the complement: TUBGCP6 is on the minus strand). VCF-style: chr22-50224366-T-G. GRCh37 (hg19) VCF-style: chr22-50662795-T-G.
Other names: short protein forms Q707P.
Identifiers: ClinVar variation 1378379 (VCV001378379.6), dbSNP rs2064573382, ClinGen allele CA412102987.